The following is an entry in ClinVar:

ClinVar aggregate classification (germline): Uncertain significance (1 of 4 stars; one submission).

Conditions:
Symmetrical dyschromatosis of extremities (DSH). Also called: RETICULATE ACROPIGMENTATION OF DOHI; SYMMETRIC DYSCHROMATOSIS OF THE EXTREMITIES; Dyschromatosis symmetrica hereditaria; DYSCHROMATOSIS SYMMETRICA HEREDITARIA 1. Identifiers: Orphanet 41, MedGen C0406775, MONDO:0007483, OMIM 127400.
Aicardi-Goutieres syndrome 6 (AGS6). Identifiers: Orphanet 51, MedGen C3539013, MONDO:0014007, OMIM 615010.

Allele frequency attached by ClinVar (database versions not stated): TOPMed below 0.00001.

Submission:

Labcorp Genetics (formerly Invitae), Labcorp
Classification: Uncertain significance for Aicardi-Goutieres syndrome 6; Symmetrical dyschromatosis of extremities. Last evaluated: 2024-10-22. Review status: criteria provided, single submitter. Criteria: Invitae Variant Classification Sherloc (09022015). Collection method: clinical testing. Allele origin: germline.
Comment: This sequence change replaces serine, which is neutral and polar, with threonine, which is neutral and polar, at codon 8 of the ADAR protein (p.Ser8Thr). This variant is not present in population databases (gnomAD no frequency). This variant has not been reported in the literature in individuals affected with ADAR-related conditions. ClinVar contains an entry for this variant (Variation ID: 2116054). An algorithm developed to predict the effect of missense changes on protein structure and function (PolyPhen-2) suggests that this variant is likely to be tolerated. In summary, the available evidence is currently insufficient to determine the role of this variant in disease. Therefore, it has been classified as a Variant of Uncertain Significance.

NM_001111.5(ADAR):c.22T>A (p.Ser8Thr)

Gene: ADAR (adenosine deaminase RNA specific; minus strand). Cytogenetic location: 1q21.3.
Variant type: single nucleotide variant.
Coding change: c.22T>A on transcript NM_001111.5 (MANE Select); coding-DNA position 22, T replaced by A.
Protein change: p.Ser8Thr; replaces serine 8 with threonine.
Molecular consequence: missense variant. On other transcripts: 5 prime UTR variant (6).
Genome position (GRCh38, 1-based): chr1:154,602,620, A>T on the plus strand (T>A on the coding strand, the complement: ADAR is on the minus strand). VCF-style: chr1-154602620-A-T. GRCh37 (hg19) VCF-style: chr1-154575096-A-T.
Other names: c.49T>A, p.Ser17Thr (NM_001365045.1); c.-728T>A (NM_001365046.1, NM_001365047.1, NM_001365049.1); c.-864T>A (NM_001365048.1, NM_001025107.3, NM_001193495.2); c.22T>A, p.Ser8Thr (NM_015840.4, NM_015841.4); short protein forms S8T, S17T.
Identifiers: ClinVar variation 2116054 (VCV002116054.4), dbSNP rs1233371400, ClinGen allele CA342607776.